The following is an entry in ClinVar:

NM_005257.6(GATA6):c.430C>T (p.Pro144Ser)

Gene: GATA6 (GATA binding protein 6; plus strand). Cytogenetic location: 18q11.2.
Variant type: single nucleotide variant.
Coding change: c.430C>T on transcript NM_005257.6 (MANE Select); coding-DNA position 430, C replaced by T.
Protein change: p.Pro144Ser; replaces proline 144 with serine.
Molecular consequence: missense variant.
Genome position (GRCh38, 1-based): chr18:22,171,574, C>T. VCF-style: chr18-22171574-C-T. GRCh37 (hg19) VCF-style: chr18-19751535-C-T.
Other names: short protein forms P144S.
Identifiers: ClinVar variation 3902886 (VCV003902886.1).

ClinVar aggregate classification (germline): Uncertain significance (1 of 4 stars; one submission).

Submission:

GeneDx
Classification: Uncertain significance. Last evaluated: 2024-12-12. Review status: criteria provided, single submitter. Criteria: GeneDx Variant Classification Process June 2021. Collection method: clinical testing. Allele origin: germline. Affected: yes.
Comment: Not observed at significant frequency in large population cohorts (gnomAD); In silico analysis indicates that this missense variant does not alter protein structure/function; Has not been previously published as pathogenic or benign to our knowledge